The following is an entry in ClinVar:

NM_000059.4(BRCA2):c.6744T>A (p.His2248Gln)

Gene: BRCA2 (BRCA2 DNA repair associated; plus strand). Cytogenetic location: 13q13.1.
Variant type: single nucleotide variant.
Coding change: c.6744T>A on transcript NM_000059.4 (MANE Select); coding-DNA position 6744, T replaced by A.
Protein change: p.His2248Gln; replaces histidine 2248 with glutamine.
Molecular consequence: missense variant.
Genome position (GRCh38, 1-based): chr13:32,341,099, T>A. VCF-style: chr13-32341099-T-A. GRCh37 (hg19) VCF-style: chr13-32915236-T-A.
Other names: short protein forms H2248Q.
Identifiers: ClinVar variation 495488 (VCV000495488.19), dbSNP rs1555284842, ClinGen allele CA387791117.

ClinVar aggregate classification (germline): Conflicting classifications of pathogenicity. Review status: criteria provided, conflicting classifications (1 of 4 stars). 5 submissions from 5 submitters: Uncertain significance (4); Likely benign (1). Last evaluated 2025-02-18.

Conditions:
Hereditary cancer-predisposing syndrome. Also called: Hereditary neoplastic syndrome; Tumor predisposition; Hereditary Cancer Syndrome; Neoplastic Syndromes, Hereditary. Identifiers: Orphanet 140162, MedGen C0027672, MeSH D009386, MONDO:0015356.
Hereditary breast ovarian cancer syndrome. Also called: Hereditary breast and/or ovarian cancer syndrome; BRCA1- and BRCA2-Associated Hereditary Breast and Ovarian Cancer; Breast and ovarian cancer; Hereditary breast and ovarian cancer; Hereditary breast and ovarian cancer syndrome; Hereditary breast and ovarian cancer syndrome (HBOC). Identifiers: Orphanet 145, MedGen C0677776, MeSH D061325, MONDO:0003582. Disease mechanism: loss of function.

Allele frequency attached by ClinVar (database versions not stated): gnomAD exomes below 0.00001.

Submissions (5):

Ambry Genetics
Classification: Uncertain significance for Hereditary cancer-predisposing syndrome. Last evaluated: 2025-02-18. Review status: criteria provided, single submitter. Criteria: Ambry Variant Classification Scheme 2023. Collection method: clinical testing. Allele origin: germline.
Comment: The p.H2248Q variant (also known as c.6744T>A), located in coding exon 10 of the BRCA2 gene, results from a T to A substitution at nucleotide position 6744. The histidine at codon 2248 is replaced by glutamine, an amino acid with highly similar properties. This amino acid position is conserved. In addition, the in silico prediction for this alteration is inconclusive. Since supporting evidence is limited at this time, the clinical significance of this alteration remains unclear.

Color Diagnostics, LLC DBA Color Health
Classification: Uncertain significance for Hereditary cancer-predisposing syndrome. Last evaluated: 2023-12-04. Review status: criteria provided, single submitter. Criteria: ACMG Guidelines, 2015. Collection method: clinical testing. Allele origin: germline.
Comment: This missense variant replaces histidine with glutamine at codon 2248 of the BRCA2 protein. Computational prediction suggests that this variant may not impact protein structure and function (internally defined REVEL score threshold <= 0.5, PMID: 27666373). To our knowledge, functional studies have not been reported for this variant. This variant has not been reported in individuals affected with BRCA2-related disorders in the literature. This variant has not been identified in the general population by the Genome Aggregation Database (gnomAD). The available evidence is insufficient to determine the role of this variant in disease conclusively. Therefore, this variant is classified as a Variant of Uncertain Significance.

Labcorp Genetics (formerly Invitae), Labcorp
Classification: Uncertain significance for Hereditary breast ovarian cancer syndrome. Last evaluated: 2023-04-22. Review status: criteria provided, single submitter. Criteria: Invitae Variant Classification Sherloc (09022015). Collection method: clinical testing. Allele origin: germline.
Comment: In summary, the available evidence is currently insufficient to determine the role of this variant in disease. Therefore, it has been classified as a Variant of Uncertain Significance. Advanced modeling of protein sequence and biophysical properties (such as structural, functional, and spatial information, amino acid conservation, physicochemical variation, residue mobility, and thermodynamic stability) performed at Invitae indicates that this missense variant is not expected to disrupt BRCA2 protein function. ClinVar contains an entry for this variant (Variation ID: 495488). This variant has not been reported in the literature in individuals affected with BRCA2-related conditions. This variant is not present in population databases (gnomAD no frequency). This sequence change replaces histidine, which is basic and polar, with glutamine, which is neutral and polar, at codon 2248 of the BRCA2 protein (p.His2248Gln).

University of Washington Department of Laboratory Medicine, University of Washington
Classification: Likely benign for Hereditary cancer-predisposing syndrome. Last evaluated: 2023-03-23. Review status: criteria provided, single submitter. Criteria: Dines et al. (Genet Med. 2020). Collection method: curation. Allele origin: germline.
Comment: Missense variant in a coldspot region where missense variants are very unlikely to be pathogenic (PMID:31911673).

BRCA2 exon 11 coldspot. Reclassification based on statistical prior probability.

Women's Health and Genetics/Laboratory Corporation of America, LabCorp
Classification: Uncertain significance. Last evaluated: 2016-12-22. Review status: criteria provided, single submitter. Criteria: LabCorp Variant Classification Summary - May 2015. Collection method: clinical testing. Allele origin: germline.
Comment: Variant summary: The BRCA2 c.6744T>A (p.His2248Gln) variant involves the alteration of a non-conserved nucleotide. 4/4 in silico tools predict a benign outcome for this variant (SNPs&GO not captured due to low reliability index). This variant is absent in 121130 control chromosomes. The variant of interest has not, to our knowledge, been reported in affected individuals via publications and/or reputable databases/clinical diagnostic laboratories; nor evaluated for functional impact by in vivo/vitro studies. Because of the absence of clinical information and the lack of functional studies, the variant is classified as a variant of uncertain significance (VUS) until additional information becomes available.